The following is an entry in ClinVar:

ClinVar aggregate classification (germline): Pathogenic. Review status: criteria provided, multiple submitters, no conflicts (2 of 4 stars). 2 submissions from 2 submitters: Pathogenic (2). Last evaluated 2024-06-07.

Conditions:
Mucopolysaccharidosis, MPS-II (MPS2). Also called: Hunter Syndrome; Mucopolysaccharidosis with skin involvement; Mucopolysaccharidosis type 2; IDS deficiency; Sulfoiduronate sulfatase deficiency; SIDS deficiency. Identifiers: Orphanet 580, Orphanet 79388, MedGen C0026705, MONDO:0010674, OMIM 309900.

Submissions (2):

Laboratory of Diagnosis and Therapy of Lysosomal Disorders, University of Padova
Classification: Pathogenic for Mucopolysaccharidosis, MPS-II. Last evaluated: 2024-06-07. Review status: criteria provided, single submitter. Criteria: ACMG Guidelines, 2015. Collection method: literature only. Allele origin: germline. Affected: yes. Observed: 2 variant alleles.
Comment: Null variant (PVS1_VeryStrong), Absent from controls (or at low frequency) in gnomAD database (PM2_Moderate), Patient’s phenotype or family history highly specific for the disease (PP4_Strong)

Classification method: ACMG Guidelines [PMID:25741868] with modifications

Labcorp Genetics (formerly Invitae), Labcorp
Classification: Pathogenic for Mucopolysaccharidosis, MPS-II. Last evaluated: 2018-08-20. Review status: criteria provided, single submitter. Criteria: Invitae Variant Classification Sherloc (09022015). Collection method: clinical testing. Allele origin: germline.
Comment: This sequence change affects a donor splice site in intron 3 of the IDS gene. It is expected to disrupt RNA splicing and likely results in an absent or disrupted protein product. This variant is not present in population databases (ExAC no frequency). This variant has been observed in individuals affected with mucopolysaccharidosis type II (PMID: 16699754, Invitae). Experimental studies have shown that this splice variant disrupts regular splicing (PMID: 16699754). Donor and acceptor splice site variants typically lead to a loss of protein function (PMID: 16199547), and loss-of-function variants in IDS are known to be pathogenic (PMID: 8940265, 9875019). For these reasons, this variant has been classified as Pathogenic.

Literature cited by the submitters: PubMed 16699754 (cited by Laboratory of Diagnosis and Therapy of Lysosomal Disorders, University of Padova and Labcorp Genetics (formerly Invitae), Labcorp); PubMed 21528770 (cited by Laboratory of Diagnosis and Therapy of Lysosomal Disorders, University of Padova); PubMed 16199547 (cited by Labcorp Genetics (formerly Invitae), Labcorp); PubMed 8940265 (cited by Labcorp Genetics (formerly Invitae), Labcorp); PubMed 9875019 (cited by Labcorp Genetics (formerly Invitae), Labcorp).

NM_000202.8(IDS):c.418+1G>C

Gene: IDS (iduronate 2-sulfatase; minus strand). Cytogenetic location: Xq28.
Variant type: single nucleotide variant.
Coding change: c.418+1G>C on transcript NM_000202.8 (MANE Select); the canonical splice donor site of the intron after coding-DNA position 418, G replaced by C.
Molecular consequence: splice donor variant.
Genome position (GRCh38, 1-based): chrX:149,503,311, C>G on the plus strand (G>C on the coding strand, the complement: IDS is on the minus strand). VCF-style: chrX-149503311-C-G. GRCh37 (hg19) VCF-style: chrX-148584841-C-G.
Other names: c.148+1G>C (NM_001166550.4); c.418+1G>C (NM_006123.5).
Identifiers: ClinVar variation 664872 (VCV000664872.9), dbSNP rs1602748255, ClinGen allele CA414525462.